The following is an entry in ClinVar:

ClinVar aggregate classification (germline): Uncertain significance (1 of 4 stars; one submission).

Conditions:
Combined immunodeficiency due to MALT1 deficiency. Also called: Immunodeficiency 12. Identifiers: Orphanet 397964, MedGen C3809583, MONDO:0014197, OMIM 615468.

Allele frequency attached by ClinVar (database versions not stated): gnomAD exomes below 0.00001; ExAC 0.00002; gnomAD 0.00002; TOPMed 0.00002.
gnomAD v4.1: 6 of 1,580,454 alleles (0.00038%); highest among the groups gnomAD compares: Non-Finnish European, 0.00051%; no homozygotes.

Submission:

Labcorp Genetics (formerly Invitae), Labcorp
Classification: Uncertain significance for Combined immunodeficiency due to MALT1 deficiency. Last evaluated: 2023-06-28. Review status: criteria provided, single submitter. Criteria: Invitae Variant Classification Sherloc (09022015). Collection method: clinical testing. Allele origin: germline.
Comment: Algorithms developed to predict the effect of missense changes on protein structure and function output the following: SIFT: "Not Available"; PolyPhen-2: "Benign"; Align-GVGD: "Not Available". The glycine amino acid residue is found in multiple mammalian species, which suggests that this missense change does not adversely affect protein function. In summary, the available evidence is currently insufficient to determine the role of this variant in disease. Therefore, it has been classified as a Variant of Uncertain Significance. This variant has not been reported in the literature in individuals affected with MALT1-related conditions. This variant is present in population databases (rs752699972, gnomAD 0.003%). This sequence change replaces glutamic acid, which is acidic and polar, with glycine, which is neutral and non-polar, at codon 313 of the MALT1 protein (p.Glu313Gly).

NM_006785.4(MALT1):c.938A>G (p.Glu313Gly)

Gene: MALT1 (MALT1 paracaspase; plus strand). Cytogenetic location: 18q21.32.
Variant type: single nucleotide variant.
Coding change: c.938A>G on transcript NM_006785.4 (MANE Select); coding-DNA position 938, A replaced by G.
Protein change: p.Glu313Gly; replaces glutamic acid 313 with glycine.
Molecular consequence: missense variant. On other transcripts: intron variant (1).
Genome position (GRCh38, 1-based): chr18:58,710,933, A>G. VCF-style: chr18-58710933-A-G. GRCh37 (hg19) VCF-style: chr18-56378165-A-G.
Other names: c.925+861A>G (NM_173844.3); short protein forms E313G.
Identifiers: ClinVar variation 2954570 (VCV002954570.2), dbSNP rs752699972, ClinGen allele CA8977758.